The following is an entry in ClinVar:

NM_000048.4(ASL):c.371G>A (p.Trp124Ter)

Gene: ASL (argininosuccinate lyase; plus strand). Cytogenetic location: 7q11.21.
Variant type: single nucleotide variant.
Coding change: c.371G>A on transcript NM_000048.4 (MANE Select); coding-DNA position 371, G replaced by A.
Protein change: p.Trp124Ter; replaces tryptophan 124 with a stop codon.
Molecular consequence: nonsense.
Genome position (GRCh38, 1-based): chr7:66,083,099, G>A. VCF-style: chr7-66083099-G-A. GRCh37 (hg19) VCF-style: chr7-65548086-G-A.
Other names: c.371G>A, p.Trp124Ter (NM_001024943.2, NM_001024944.2, NM_001024946.2); short protein forms W124*.
Identifiers: ClinVar variation 984301 (VCV000984301.4), dbSNP rs1786558070, ClinGen allele CA367639312.
Genomic context (GRCh38, chr7:66,083,099, plus strand): 5'-ACATCGGCCTCCCTGAGCACCATCTCCTCCTTGCACAGGTGGTCACAGACCTCAGGCTGT[G>A]GATGCGGCAGACCTGCTCCACGCTCTCGGGCCTCCTCTGGGAGCTCATTAGGACCATGGT-3'

ClinVar aggregate classification (germline): Likely pathogenic. Review status: criteria provided, multiple submitters, no conflicts (2 of 4 stars). 2 submissions from 2 submitters: Likely pathogenic (2). Last evaluated 2024-05-09.

Conditions:
Argininosuccinate lyase deficiency. Also called: Argininosuccinic aciduria; ARGININOSUCCINIC ACID LYASE DEFICIENCY; ASL DEFICIENCY. Identifiers: Orphanet 23, MedGen C0268547, MONDO:0008815, OMIM 207900, HP:0025630.

Submissions (2):

Fulgent Genetics
Classification: Likely pathogenic for Argininosuccinate lyase deficiency. Last evaluated: 2024-05-09. Review status: criteria provided, single submitter. Criteria: ACMG Guidelines, 2015. Collection method: clinical testing. Allele origin: germline.

Myriad Genetics, Inc.
Classification: Likely pathogenic for Argininosuccinate lyase deficiency. Last evaluated: 2019-09-29. Review status: criteria provided, single submitter. Criteria: Myriad Women's Health Autosomal Recessive and X-Linked Classification Criteria (2019). Collection method: clinical testing. Allele origin: unknown.
Comment: NM_001024943.1(ASL):c.371G>A(W124*) is expected to be pathogenic in the context of argininosuccinic aciduria. This variant is predicted to lead to an abnormal or absent protein product due to the creation of a premature termination codon in ASL, a gene where loss-of-function variants are known to be pathogenic. Please note: this variant was assessed in the context of healthy population screening.